The following is an entry in ClinVar:

ClinVar aggregate classification (germline): Likely benign. Review status: criteria provided, single submitter (1 of 4 stars). 2 submissions from 2 submitters: Likely benign (1). 1 of the submissions does not count toward it. Last evaluated 2024-02-01.

Conditions:
BIRC6-related disorder. Also called: BIRC6-related condition.

Allele frequency attached by ClinVar (database versions not stated): gnomAD exomes 0.00012; gnomAD 0.00015; ExAC 0.00021; ESP Exome Variant Server 0.00038.
gnomAD v4.1: 215 of 1,613,388 alleles (0.013%); highest among the groups gnomAD compares: Middle Eastern, 0.21%; no homozygotes.

Submissions (2):

CeGaT Center for Human Genetics Tuebingen
Classification: Likely benign. Last evaluated: 2024-02-01. Review status: criteria provided, single submitter. Criteria: CeGaT Center For Human Genetics Tuebingen Variant Classification Criteria Version 2. Collection method: clinical testing. Allele origin: germline. Affected: yes. Observed: 2 variant alleles.
Comment: BIRC6: BP4, BP7

PreventionGenetics, part of Exact Sciences
Classification: Likely benign for BIRC6-related condition. Last evaluated: 2019-08-16. Review status: no assertion criteria provided. Collection method: clinical testing. Allele origin: germline. Not counted in ClinVar's aggregate classification.
Comment: This variant is classified as likely benign based on ACMG/AMP sequence variant interpretation guidelines (Richards et al. 2015 PMID: 25741868, with internal and published modifications).

NM_016252.4(BIRC6):c.11967C>T (p.Leu3989=)

Gene: BIRC6 (baculoviral IAP repeat containing 6; plus strand). Cytogenetic location: 2p22.3.
Variant type: single nucleotide variant.
Coding change: c.11967C>T on transcript NM_016252.4 (MANE Select); coding-DNA position 11967, C replaced by T.
Protein change: p.Leu3989=; no amino-acid change (leucine 3989 retained).
Molecular consequence: synonymous variant.
Genome position (GRCh38, 1-based): chr2:32,529,697, C>T. VCF-style: chr2-32529697-C-T. GRCh37 (hg19) VCF-style: chr2-32754764-C-T.
Other names: c.11967C>T (NM_016252.3); c.11964C>T, p.Leu3988= (NM_001378125.1).
Identifiers: ClinVar variation 2650817 (VCV002650817.25), dbSNP rs150058017, ClinGen allele CA1605114.